The following is an entry in ClinVar:

NM_001111.5(ADAR):c.533C>T (p.Ser178Phe)

Gene: ADAR (adenosine deaminase RNA specific; minus strand). Cytogenetic location: 1q21.3.
Variant type: single nucleotide variant.
Coding change: c.533C>T on transcript NM_001111.5 (MANE Select); coding-DNA position 533, C replaced by T.
Protein change: p.Ser178Phe; replaces serine 178 with phenylalanine.
Molecular consequence: missense variant. On other transcripts: 5 prime UTR variant (6).
Genome position (GRCh38, 1-based): chr1:154,602,109, G>A on the plus strand (C>T on the coding strand, the complement: ADAR is on the minus strand). VCF-style: chr1-154602109-G-A. GRCh37 (hg19) VCF-style: chr1-154574585-G-A.
Other names: c.-353C>T (NM_001025107.3, NM_001193495.2, NM_001365046.1 and 3 more transcripts); c.560C>T, p.Ser187Phe (NM_001365045.1); c.533C>T, p.Ser178Phe (NM_015840.4, NM_015841.4); short protein forms S178F, S187F.
Identifiers: ClinVar variation 1001374 (VCV001001374.8), dbSNP rs1697921275, ClinGen allele CA342601528.
Genomic context (GRCh38, chr1:154,602,109, plus strand): 5'-GCGATTTTCCACAAAGGGGGTGTTCCTGCCTCTTTCTGTAGCTTGCCCTTCTTTGCCAGG[G>A]AGTATAAAACTCGATTGATTTCTTTCTTCGGAGTCCCAAGTTTCCCAGACAGATCATGTG-3'
Protein context (NP_001102.3, residues 168-188): PKKEINRVLY[Ser178Phe]LAKKGKLQKE

ClinVar aggregate classification (germline): Uncertain significance (1 of 4 stars; one submission).

Conditions:
Symmetrical dyschromatosis of extremities (DSH). Also called: RETICULATE ACROPIGMENTATION OF DOHI; SYMMETRIC DYSCHROMATOSIS OF THE EXTREMITIES; DYSCHROMATOSIS SYMMETRICA HEREDITARIA 1; Dyschromatosis symmetrica hereditaria. Identifiers: Orphanet 41, MedGen C0406775, MONDO:0007483, OMIM 127400.
Aicardi-Goutieres syndrome 6 (AGS6). Identifiers: Orphanet 51, MedGen C3539013, MONDO:0014007, OMIM 615010.

Allele frequency attached by ClinVar (database versions not stated): gnomAD exomes below 0.00001.
gnomAD v4.1: 1 of 1,614,224 alleles (0.000062%); highest among the groups gnomAD compares: African/African-American, 0.0013%; no homozygotes.

Submission:

Labcorp Genetics (formerly Invitae), Labcorp
Classification: Uncertain significance for Aicardi-Goutieres syndrome 6; Symmetrical dyschromatosis of extremities. Last evaluated: 2022-07-06. Review status: criteria provided, single submitter. Criteria: Invitae Variant Classification Sherloc (09022015). Collection method: clinical testing. Allele origin: germline.
Comment: In summary, the available evidence is currently insufficient to determine the role of this variant in disease. Therefore, it has been classified as a Variant of Uncertain Significance. This sequence change replaces serine, which is neutral and polar, with phenylalanine, which is neutral and non-polar, at codon 178 of the ADAR protein (p.Ser178Phe). This variant is not present in population databases (gnomAD no frequency). This variant has not been reported in the literature in individuals affected with ADAR-related conditions. ClinVar contains an entry for this variant (Variation ID: 1001374). Algorithms developed to predict the effect of missense changes on protein structure and function are either unavailable or do not agree on the potential impact of this missense change (SIFT: "Deleterious"; PolyPhen-2: "Benign"; Align-GVGD: "Class C0").